The following is an entry in ClinVar:

ClinVar aggregate classification (germline): Pathogenic (1 of 4 stars; one submission).

Submission:

Centre of Medical Genetics, University Hospital Muenster
Classification: Pathogenic. Last evaluated: 2023-03-02. Review status: criteria provided, single submitter. Criteria: ACMG Guidelines, 2015. Collection method: clinical testing. Allele origin: unknown. Affected: yes. Observed: 1 variant allele, 1 heterozygote.
Comment: ACMG categories: PVS1,PM2,PM3

NM_000316.3(PTH1R):c.1201C>T (p.Gln401Ter)

Gene: PTH1R (parathyroid hormone 1 receptor; plus strand). Cytogenetic location: 3p21.31.
Variant type: single nucleotide variant.
Coding change: c.1201C>T on transcript NM_000316.3 (MANE Select); coding-DNA position 1201, C replaced by T.
Protein change: p.Gln401Ter; replaces glutamine 401 with a stop codon.
Molecular consequence: nonsense.
Genome position (GRCh38, 1-based): chr3:46,901,850, C>T. VCF-style: chr3-46901850-C-T. GRCh37 (hg19) VCF-style: chr3-46943340-C-T.
Other names: c.1201C>T, p.Gln401Ter (NM_001184744.1); short protein forms Q401*.
Identifiers: ClinVar variation 1708330 (VCV001708330.4), dbSNP rs2545048376, ClinGen allele CA352502590.